The following is an entry in ClinVar:

ClinVar aggregate classification (germline): Uncertain significance (1 of 4 stars; one submission).

Submission:

GeneDx
Classification: Uncertain significance. Last evaluated: 2022-08-25. Review status: criteria provided, single submitter. Criteria: GeneDx Variant Classification Process June 2021. Collection method: clinical testing. Allele origin: germline. Affected: yes.
Comment: Not observed at significant frequency in large population cohorts (gnomAD); In silico analysis supports that this missense variant has a deleterious effect on protein structure/function; Has not been previously published as pathogenic or benign to our knowledge

NM_000368.5(TSC1):c.470T>G (p.Ile157Ser)

Gene: TSC1 (TSC complex subunit 1; minus strand). Cytogenetic location: 9q34.13.
Variant type: single nucleotide variant.
Coding change: c.470T>G on transcript NM_000368.5 (MANE Select); coding-DNA position 470, T replaced by G.
Protein change: p.Ile157Ser; replaces isoleucine 157 with serine.
Molecular consequence: missense variant.
Genome position (GRCh38, 1-based): chr9:132,923,386, A>C on the plus strand (T>G on the coding strand, the complement: TSC1 is on the minus strand). VCF-style: chr9-132923386-A-C. GRCh37 (hg19) VCF-style: chr9-135798773-A-C.
Other names: c.470T>G, p.Ile157Ser (NM_001162426.2, NM_001406592.1, NM_001406593.1 and 16 more transcripts); c.317T>G, p.Ile106Ser (NM_001162427.2, NM_001406610.1, NM_001406611.1 and 2 more transcripts); c.107T>G, p.Ile36Ser (NM_001362177.2, NM_001406614.1, NM_001406615.1 and 10 more transcripts); c.-408T>G (NM_001406626.1, NM_001406627.1, NM_001406628.1); c.-550T>G (NM_001406629.1); c.-624T>G (NM_001406630.1); short protein forms I106S, I157S, I36S.
Identifiers: ClinVar variation 2430784 (VCV002430784.1), dbSNP rs2132188270, ClinGen allele CA375373267.
Genomic context (GRCh38, chr9:132,923,386, plus strand): 5'-AGGTATATGAGGAGATCTGTACCTGGTTTCTTCAGGCACCATGATGACAGACGGCCAAAA[A>C]TGTCAAAGAAATCAAGAAGATGCTGTTTCCCAGACTGTGGAATCATTGGTAGCATGGTTA-3'
Protein context (NP_000359.1, residues 147-167): GKQHLLDFFD[Ile157Ser]FGRLSSWCLK